The following is an entry in ClinVar:

ClinVar aggregate classification (germline): Uncertain significance (1 of 4 stars; one submission).

Conditions:
Ehlers-Danlos syndrome, classic type, 1 (EDSCL1). Also called: EHLERS-DANLOS SYNDROME, GRAVIS TYPE; EHLERS-DANLOS SYNDROME, SEVERE CLASSIC TYPE; Ehlers-Danlos syndrome, type 1; Ehlers-Danlos Syndrome, Classic Type, COL5A1-Related; EDS I. Identifiers: MedGen C0268335, MONDO:0019567, OMIM 130000.

gnomAD v4.1: 1 of 1,614,084 alleles (0.000062%); highest among the groups gnomAD compares: African/African-American, 0.0013%; no homozygotes.

Submission:

Labcorp Genetics (formerly Invitae), Labcorp
Classification: Uncertain significance for Ehlers-Danlos syndrome, classic type, 1. Last evaluated: 2024-09-16. Review status: criteria provided, single submitter. Criteria: Invitae Variant Classification Sherloc (09022015). Collection method: clinical testing. Allele origin: germline.
Comment: This sequence change replaces proline, which is neutral and non-polar, with threonine, which is neutral and polar, at codon 423 of the COL5A1 protein (p.Pro423Thr). This variant is not present in population databases (gnomAD no frequency). This variant has not been reported in the literature in individuals affected with COL5A1-related conditions. Invitae Evidence Modeling of protein sequence and biophysical properties (such as structural, functional, and spatial information, amino acid conservation, physicochemical variation, residue mobility, and thermodynamic stability) indicates that this missense variant is not expected to disrupt COL5A1 protein function with a negative predictive value of 95%. In summary, the available evidence is currently insufficient to determine the role of this variant in disease. Therefore, it has been classified as a Variant of Uncertain Significance.

NM_000093.5(COL5A1):c.1267C>A (p.Pro423Thr)

Gene: COL5A1 (collagen type V alpha 1 chain; plus strand). Cytogenetic location: 9q34.3.
Variant type: single nucleotide variant.
Coding change: c.1267C>A on transcript NM_000093.5 (MANE Select); coding-DNA position 1267, C replaced by A.
Protein change: p.Pro423Thr; replaces proline 423 with threonine.
Molecular consequence: missense variant.
Genome position (GRCh38, 1-based): chr9:134,731,598, C>A. VCF-style: chr9-134731598-C-A. GRCh37 (hg19) VCF-style: chr9-137623444-C-A.
Other names: c.1267C>A, p.Pro423Thr (NM_001278074.1); short protein forms P423T.
Identifiers: ClinVar variation 3670427 (VCV003670427.2).